The following is an entry in ClinVar:

NM_152618.3(BBS12):c.1069_1097del (p.Val357fs)

Gene: BBS12 (Bardet-Biedl syndrome 12; plus strand). Cytogenetic location: 4q27.
Variant type: Deletion.
Coding change: c.1069_1097del on transcript NM_152618.3 (MANE Select); coding-DNA positions 1069 to 1097, 29 bases deleted (GTTCTCATTGAGGGTGACCTCACAGAGAA).
Protein change: p.Val357fs; shifts the reading frame from valine 357.
Molecular consequence: frameshift variant.
Genome position (GRCh38, 1-based): chr4:122,742,961-122,742,989, GTTCTCATTGAGGGTGACCTCACAGAGAA deleted; deleting any 29 consecutive bases within chr4:122,742,960-122,742,989 gives the same sequence; the c. name uses the placement nearest the transcript's 3' end. VCF-style (leftmost placement, unchanged base first): chr4-122742959-TAGTTCTCATTGAGGGTGACCTCACAGAGA-T. GRCh37 (hg19) VCF-style: chr4-123664114-TAGTTCTCATTGAGGGTGACCTCACAGAGA-T.
Other names: c.1069_1097del, p.Val357fs (NM_001178007.2); short protein forms V357fs.
Identifiers: ClinVar variation 2705486 (VCV002705486.3), dbSNP rs2485074960, ClinGen allele CA2697546895.
Genomic context (GRCh38, chr4:122,742,959, plus strand): 5'-CTGTTGTGTCAGTATCTAATAATCCTGTGATCAAGGAATTGCAGAATCAGCCTGTGCGAA[TAGTTCTCATTGAGGGTGACCTCACAGAGA>T]ATTACCGCCACCTGGGATTTAATAAGTCTGCAAATATTAAAACAGTATTAGATAGCATGC-3'

ClinVar aggregate classification (germline): Pathogenic (1 of 4 stars; one submission).

Conditions:
Bardet-Biedl syndrome (BBS). Identifiers: Orphanet 110, MedGen C0752166, MONDO:0015229.

Submission:

Labcorp Genetics (formerly Invitae), Labcorp
Classification: Pathogenic for Bardet-Biedl syndrome. Last evaluated: 2023-12-25. Review status: criteria provided, single submitter. Criteria: Invitae Variant Classification Sherloc (09022015). Collection method: clinical testing. Allele origin: germline.
Comment: This sequence change creates a premature translational stop signal (p.Val357Leufs*7) in the BBS12 gene. While this is not anticipated to result in nonsense mediated decay, it is expected to disrupt the last 354 amino acid(s) of the BBS12 protein. This variant is not present in population databases (gnomAD no frequency). This variant has not been reported in the literature in individuals affected with BBS12-related conditions. This variant disrupts a region of the BBS12 protein in which other variant(s) (p.Arg675*) have been determined to be pathogenic (PMID: 20827784, 21642631). This suggests that this is a clinically significant region of the protein, and that variants that disrupt it are likely to be disease-causing. For these reasons, this variant has been classified as Pathogenic.

Literature cited by the submitters: PubMed 20827784; PubMed 21642631.